The following is an entry in ClinVar:

NM_003242.6(TGFBR2):c.26T>G (p.Leu9Arg)

Gene: TGFBR2 (transforming growth factor beta receptor 2; plus strand). Cytogenetic location: 3p24.1.
Variant type: single nucleotide variant.
Coding change: c.26T>G on transcript NM_003242.6 (MANE Select); coding-DNA position 26, T replaced by G.
Protein change: p.Leu9Arg; replaces leucine 9 with arginine.
Molecular consequence: missense variant. On other transcripts: 5 prime UTR variant (4), intron variant (2).
Genome position (GRCh38, 1-based): chr3:30,606,909, T>G. VCF-style: chr3-30606909-T-G. GRCh37 (hg19) VCF-style: chr3-30648401-T-G.
Other names: c.26T>G, p.Leu9Arg (NM_001024847.3, NM_001407126.1, NM_001407127.1 and 4 more transcripts); c.-258T>G (NM_001407133.1); c.-136T>G (NM_001407134.1); c.-183T>G (NM_001407135.1); c.-268T>G (NM_001407136.1); c.-12+316T>G (NM_001407129.1, NM_001407132.1); short protein forms L9R.
Identifiers: ClinVar variation 3339618 (VCV003339618.1).

ClinVar aggregate classification (germline): Uncertain significance (1 of 4 stars; one submission).

Submission:

Women's Health and Genetics/Laboratory Corporation of America, LabCorp
Classification: Uncertain significance. Last evaluated: 2024-06-11. Review status: criteria provided, single submitter. Criteria: LabCorp Variant Classification Summary - May 2015. Collection method: clinical testing. Allele origin: germline.
Comment: Variant summary: TGFBR2 c.26T>G (p.Leu9Arg) results in a non-conservative amino acid change in the encoded protein sequence. Three of five in-silico tools predict a benign effect of the variant on protein function. The variant was absent in 213792 control chromosomes. The available data on variant occurrences in the general population are insufficient to allow any conclusion about variant significance. To our knowledge, no occurrence of c.26T>G in individuals affected with Aortopathy and no experimental evidence demonstrating its impact on protein function have been reported. No submitters have cited clinical-significance assessments for this variant to ClinVar. Based on the evidence outlined above, the variant was classified as uncertain significance.